The following is an entry in ClinVar:

NM_001942.4(DSG1):c.1369G>A (p.Gly457Arg)

Gene: DSG1 (desmoglein 1; plus strand). Cytogenetic location: 18q12.1.
Variant type: single nucleotide variant.
Coding change: c.1369G>A on transcript NM_001942.4 (MANE Select); coding-DNA position 1369, G replaced by A.
Protein change: p.Gly457Arg; replaces glycine 457 with arginine.
Molecular consequence: missense variant.
Genome position (GRCh38, 1-based): chr18:31,338,418, G>A. VCF-style: chr18-31338418-G-A. GRCh37 (hg19) VCF-style: chr18-28918381-G-A.
Other names: short protein forms G457R.
Identifiers: ClinVar variation 1407935 (VCV001407935.6), dbSNP rs139636597, ClinGen allele CA8926068.

ClinVar aggregate classification (germline): Uncertain significance (1 of 4 stars; one submission).

Allele frequency attached by ClinVar (database versions not stated): ExAC 0.00020; gnomAD exomes 0.00021 and 0.00017; ESP Exome Variant Server 0.00023; 1000 Genomes Project 30x 0.00016; 1000 Genomes Project 0.00020.

Submission:

Labcorp Genetics (formerly Invitae), Labcorp
Classification: Uncertain significance. Last evaluated: 2026-01-11. Review status: criteria provided, single submitter. Criteria: Invitae Variant Classification Sherloc (09022015). Collection method: clinical testing. Allele origin: germline.
Comment: This sequence change replaces glycine, which is neutral and non-polar, with arginine, which is basic and polar, at codon 457 of the DSG1 protein (p.Gly457Arg). This variant is present in population databases (rs139636597, gnomAD 0.03%). This variant has not been reported in the literature in individuals affected with DSG1-related conditions. ClinVar contains an entry for this variant (Variation ID: 1407935). Invitae Evidence Modeling of protein sequence and biophysical properties (such as structural, functional, and spatial information, amino acid conservation, physicochemical variation, residue mobility, and thermodynamic stability) indicates that this missense variant is not expected to disrupt DSG1 protein function with a negative predictive value of 80%. In summary, the available evidence is currently insufficient to determine the role of this variant in disease. Therefore, it has been classified as a Variant of Uncertain Significance.